The following is an entry in ClinVar:

NM_004172.5(SLC1A3):c.780G>A (p.Met260Ile)

Genes: SLC1A3 (solute carrier family 1 member 3; plus strand), SLC1A3-AS1 (SLC1A3 antisense RNA 1; minus strand). Cytogenetic location: 5p13.2.
Variant type: single nucleotide variant.
Coding change: c.780G>A on transcript NM_004172.5 (MANE Select); coding-DNA position 780, G replaced by A.
Protein change: p.Met260Ile; replaces methionine 260 with isoleucine.
Molecular consequence: missense variant. On other transcripts: intron variant (1).
Genome position (GRCh38, 1-based): chr5:36,677,104, G>A. VCF-style: chr5-36677104-G-A. GRCh37 (hg19) VCF-style: chr5-36677206-G-A.
Other names: c.780G>A, p.Met260Ile (NM_001166695.3); c.642G>A, p.Met214Ile (NM_001289939.2); c.525-2523G>A (NM_001289940.2); short protein forms M214I, M260I.
Identifiers: ClinVar variation 3774656 (VCV003774656.1).
Genomic context (GRCh38, chr5:36,677,104, plus strand): 5'-AGTCAATGCCCTGGGTCTAGTTGTCTTCTCCATGTGCTTCGGTTTTGTGATTGGAAACAT[G>A]AAGGAACAGGGGCAGGCCCTGAGAGAGTTCTTTGATTCTCTTAACGAAGCCATCATGAGA-3'
Protein context (NP_004163.3, residues 250-270): SMCFGFVIGN[Met260Ile]KEQGQALREF

ClinVar aggregate classification (germline): Uncertain significance (1 of 4 stars; one submission).

gnomAD v4.1: 1 of 1,614,158 alleles (0.000062%); highest among the groups gnomAD compares: Non-Finnish European, 0.000085%; no homozygotes.

Submission:

GeneDx
Classification: Uncertain significance. Last evaluated: 2024-09-24. Review status: criteria provided, single submitter. Criteria: GeneDx Variant Classification Process June 2021. Collection method: clinical testing. Allele origin: germline. Affected: yes.
Comment: Not observed at significant frequency in large population cohorts (gnomAD); In silico analysis supports that this missense variant has a deleterious effect on protein structure/function; Has not been previously published as pathogenic or benign to our knowledge